The following is an entry in ClinVar:

NM_144596.4(TTC8):c.436T>C (p.Tyr146His)

Gene: TTC8 (tetratricopeptide repeat domain 8; plus strand). Cytogenetic location: 14q31.3.
Variant type: single nucleotide variant.
Coding change: c.436T>C on transcript NM_144596.4 (MANE Select); coding-DNA position 436, T replaced by C.
Protein change: p.Tyr146His; replaces tyrosine 146 with histidine.
Molecular consequence: missense variant. On other transcripts: 5 prime UTR variant (2), non-coding transcript variant (1).
Genome position (GRCh38, 1-based): chr14:88,841,143, T>C. VCF-style: chr14-88841143-T-C. GRCh37 (hg19) VCF-style: chr14-89307487-T-C.
Other names: c.406T>C, p.Tyr136His (NM_001288781.1, NM_001366535.2, NM_001366536.2 and 2 more transcripts); c.-157T>C (NM_001288782.1); c.-252T>C (NM_001288783.1); c.436T>C (NM_144596.3); short protein forms Y136H, Y146H.
Identifiers: ClinVar variation 1511436 (VCV001511436.7), dbSNP rs747125124, ClinGen allele CA7302469.

ClinVar aggregate classification (germline): Uncertain significance. Review status: criteria provided, multiple submitters, no conflicts (2 of 4 stars). 2 submissions from 2 submitters: Uncertain significance (2). Last evaluated 2026-07-29.

Conditions:
TTC8-related disorder. Also called: TTC8-related condition.
Bardet-Biedl syndrome (BBS). Identifiers: Orphanet 110, MedGen C0752166, MONDO:0015229.

Allele frequency attached by ClinVar (database versions not stated): TOPMed below 0.00001; gnomAD 0.00001; gnomAD exomes 0.00002; ExAC 0.00003.
gnomAD v4.1: 25 of 1,613,968 alleles (0.0015%); highest among the groups gnomAD compares: Non-Finnish European, 0.002%; no homozygotes.

Submissions (2):

PreventionGenetics, part of Exact Sciences
Classification: Uncertain significance for TTC8-related condition. Last evaluated: 2026-07-29. Review status: criteria provided, single submitter. Criteria: ACMG Guidelines, 2015. Collection method: clinical testing. Allele origin: germline.
Comment: The TTC8 c.436T>C variant is predicted to result in the amino acid substitution p.Tyr146His. To our knowledge, this variant has not been reported in the literature. This variant is reported in 0.0046% of alleles in individuals of European (Finnish) descent in gnomAD. At this time, the clinical significance of this variant is uncertain due to the absence of conclusive functional and genetic evidence.

Labcorp Genetics (formerly Invitae), Labcorp
Classification: Uncertain significance for Bardet-Biedl syndrome. Last evaluated: 2025-03-31. Review status: criteria provided, single submitter. Criteria: Invitae Variant Classification Sherloc (09022015). Collection method: clinical testing. Allele origin: germline.
Comment: This sequence change replaces tyrosine, which is neutral and polar, with histidine, which is basic and polar, at codon 136 of the TTC8 protein (p.Tyr136His). This variant is present in population databases (rs747125124, gnomAD 0.004%). This variant has not been reported in the literature in individuals affected with TTC8-related conditions. ClinVar contains an entry for this variant (Variation ID: 1511436). Invitae Evidence Modeling of protein sequence and biophysical properties (such as structural, functional, and spatial information, amino acid conservation, physicochemical variation, residue mobility, and thermodynamic stability) indicates that this missense variant is not expected to disrupt TTC8 protein function with a negative predictive value of 80%. In summary, the available evidence is currently insufficient to determine the role of this variant in disease. Therefore, it has been classified as a Variant of Uncertain Significance.